The following is an entry in ClinVar:

ClinVar aggregate classification (germline): Uncertain significance (1 of 4 stars; one submission).

Submission:

Labcorp Genetics (formerly Invitae), Labcorp
Classification: Uncertain significance. Last evaluated: 2024-10-31. Review status: criteria provided, single submitter. Criteria: Invitae Variant Classification Sherloc (09022015). Collection method: clinical testing. Allele origin: germline.
Comment: This sequence change replaces phenylalanine, which is neutral and non-polar, with leucine, which is neutral and non-polar, at codon 639 of the CDH2 protein (p.Phe639Leu). This variant is not present in population databases (gnomAD no frequency). This variant has not been reported in the literature in individuals affected with CDH2-related conditions. An algorithm developed to predict the effect of missense changes on protein structure and function (PolyPhen-2) suggests that this variant is likely to be disruptive. In summary, the available evidence is currently insufficient to determine the role of this variant in disease. Therefore, it has been classified as a Variant of Uncertain Significance.

NM_001792.5(CDH2):c.1917T>A (p.Phe639Leu)

Gene: CDH2 (cadherin 2; minus strand). Cytogenetic location: 18q12.1.
Variant type: single nucleotide variant.
Coding change: c.1917T>A on transcript NM_001792.5 (MANE Select); coding-DNA position 1917, T replaced by A.
Protein change: p.Phe639Leu; replaces phenylalanine 639 with leucine.
Molecular consequence: missense variant.
Genome position (GRCh38, 1-based): chr18:27,985,586, A>T on the plus strand (T>A on the coding strand, the complement: CDH2 is on the minus strand). VCF-style: chr18-27985586-A-T. GRCh37 (hg19) VCF-style: chr18-25565550-A-T.
Other names: c.1824T>A, p.Phe608Leu (NM_001308176.2); short protein forms F608L, F639L.
Identifiers: ClinVar variation 3724387 (VCV003724387.2).